The following is an entry in ClinVar:

NM_000059.4(BRCA2):c.10048C>T (p.Gln3350Ter)

Gene: BRCA2 (BRCA2 DNA repair associated; plus strand). Cytogenetic location: 13q13.1.
Variant type: single nucleotide variant.
Coding change: c.10048C>T on transcript NM_000059.4 (MANE Select); coding-DNA position 10048, C replaced by T.
Protein change: p.Gln3350Ter; replaces glutamine 3350 with a stop codon.
Molecular consequence: nonsense. On other transcripts: non-coding transcript variant (1).
Genome position (GRCh38, 1-based): chr13:32,398,561, C>T. VCF-style: chr13-32398561-C-T. GRCh37 (hg19) VCF-style: chr13-32972698-C-T.
Other names: c.9952C>T, p.Gln3318Ter (NM_001406719.1); c.9997C>T, p.Gln3333Ter (NM_001406720.1); c.5116C>T, p.Gln1706Ter (NM_001406721.1); c.3631C>T, p.Gln1211Ter (NM_001406722.1); short protein forms Q1211*, Q1706*, Q3318*, Q3333*, Q3350*.
Identifiers: ClinVar variation 2636400 (VCV002636400.4), dbSNP rs2137666093, ClinGen allele CA387767828.

ClinVar aggregate classification (germline): Conflicting classifications of pathogenicity. Review status: criteria provided, conflicting classifications (1 of 4 stars). 2 submissions from 2 submitters: Uncertain significance (1); Likely benign (1). Last evaluated 2024-09-12.

Conditions:
BRCA2-related disorder. Also called: BRCA2-related condition; BRCA2-related disorders. Identifiers: MedGen CN239275.
Hereditary breast ovarian cancer syndrome. Also called: Hereditary breast and ovarian cancer; Hereditary breast and ovarian cancer syndrome; Hereditary breast and ovarian cancer syndrome (HBOC); Breast and ovarian cancer; Hereditary breast and/or ovarian cancer syndrome; BRCA1- and BRCA2-Associated Hereditary Breast and Ovarian Cancer. Identifiers: Orphanet 145, MedGen C0677776, MeSH D061325, MONDO:0003582. Disease mechanism: loss of function.

Submissions (2):

Labcorp Genetics (formerly Invitae), Labcorp
Classification: Likely benign for Hereditary breast ovarian cancer syndrome. Last evaluated: 2024-09-12. Review status: criteria provided, single submitter. Criteria: Invitae Variant Classification Sherloc (09022015). Collection method: clinical testing. Allele origin: germline.

PreventionGenetics, part of Exact Sciences
Classification: Uncertain significance for BRCA2-related condition. Last evaluated: 2023-02-10. Review status: criteria provided, single submitter. Criteria: ACMG Guidelines, 2015. Collection method: clinical testing. Allele origin: germline.
Comment: The BRCA2 c.10048C>T variant is predicted to result in premature protein termination (p.Gln3350*). To our knowledge, this variant has not been reported in the literature or in a large population database, indicating this variant is rare. This variant is located in the BRCA2 C-terminal domain and occurs downstream of a known polymorphism (Lys3326*), and is therefore suggested to be unlikely associated with cancer risk (Spain et al. 1999. PubMed ID: 10570174). Although we suspect that this variant may be benign, at this time, the clinical significance of this variant is uncertain due to the absence of conclusive functional and genetic evidence.